The following is an entry in ClinVar:

ClinVar aggregate classification (germline): Likely benign (1 of 4 stars; one submission).

gnomAD v4.1: 384 of 1,614,038 alleles (0.024%); highest among the groups gnomAD compares: Non-Finnish European, 0.027%; 1 homozygote.

Submission:

CeGaT Center for Human Genetics Tuebingen
Classification: Likely benign. Last evaluated: 2024-10-01. Review status: criteria provided, single submitter. Criteria: CeGaT Center For Human Genetics Tuebingen Variant Classification Criteria Version 2. Collection method: clinical testing. Allele origin: germline. Affected: yes. Observed: 1 variant allele.
Comment: KIF17: BP4, BP7

NM_001122819.3(KIF17):c.957C>T (p.Tyr319=)

Gene: KIF17 (kinesin family member 17; minus strand). Cytogenetic location: 1p36.12.
Variant type: single nucleotide variant.
Coding change: c.957C>T on transcript NM_001122819.3 (MANE Select); coding-DNA position 957, C replaced by T.
Protein change: p.Tyr319=; no amino-acid change (tyrosine 319 retained).
Molecular consequence: synonymous variant.
Genome position (GRCh38, 1-based): chr1:20,704,613, G>A on the plus strand (C>T on the coding strand, the complement: KIF17 is on the minus strand). VCF-style: chr1-20704613-G-A. GRCh37 (hg19) VCF-style: chr1-21031106-G-A.
Other names: c.657C>T, p.Tyr219= (NM_001287212.2); c.957C>T, p.Tyr319= (NM_020816.4).
Identifiers: ClinVar variation 3388127 (VCV003388127.14).